The following is an entry in ClinVar:

NM_016107.5(ZFR):c.2739+4C>T

Gene: ZFR (zinc finger RNA binding protein; minus strand). Cytogenetic location: 5p13.3.
Variant type: single nucleotide variant.
Coding change: c.2739+4C>T on transcript NM_016107.5 (MANE Select); 4 bases into the intron after coding-DNA position 2739, C replaced by T.
Molecular consequence: intron variant.
Genome position (GRCh38, 1-based): chr5:32,380,071, G>A on the plus strand (C>T on the coding strand, the complement: ZFR is on the minus strand). VCF-style: chr5-32380071-G-A. GRCh37 (hg19) VCF-style: chr5-32380177-G-A.
Identifiers: ClinVar variation 1379058 (VCV001379058.6), dbSNP rs773113887, ClinGen allele CA3221523.

ClinVar aggregate classification (germline): Uncertain significance (1 of 4 stars; one submission).

Conditions:
Pure or complex autosomal recessive spastic paraplegia. Identifiers: Orphanet 320346, MedGen C5679887, MONDO:0017915.

Allele frequency attached by ClinVar (database versions not stated): TOPMed below 0.00001; gnomAD exomes 0.00001 and 0.00002; ExAC 0.00002.
gnomAD v4.1: 22 of 1,612,448 alleles (0.0014%); highest among the groups gnomAD compares: Non-Finnish European, 0.0019%; no homozygotes.

Submission:

Labcorp Genetics (formerly Invitae), Labcorp
Classification: Uncertain significance for Pure or complex autosomal recessive spastic paraplegia. Last evaluated: 2021-10-13. Review status: criteria provided, single submitter. Criteria: Invitae Variant Classification Sherloc (09022015). Collection method: clinical testing. Allele origin: germline.
Comment: In summary, the available evidence is currently insufficient to determine the role of this variant in disease. Therefore, it has been classified as a Variant of Uncertain Significance. Variants that disrupt the consensus splice site are a relatively common cause of aberrant splicing (PMID: 17576681, 9536098). Algorithms developed to predict the effect of sequence changes on RNA splicing suggest that this variant is not likely to affect RNA splicing. This variant has not been reported in the literature in individuals affected with ZFR-related conditions. The frequency data for this variant in the population databases is considered unreliable, as metrics indicate poor data quality at this position in the ExAC database. This sequence change falls in intron 16 of the ZFR gene. It does not directly change the encoded amino acid sequence of the ZFR protein. It affects a nucleotide within the consensus splice site.

Literature cited by the submitters: PubMed 17576681; PubMed 9536098.